The following is an entry in ClinVar:

NM_004928.3(CFAP410):c.642+95_642+127del

Gene: CFAP410 (cilia and flagella associated protein 410; minus strand). Cytogenetic location: 21q22.3.
Variant type: Microsatellite.
Coding change: c.642+95_642+127del on transcript NM_004928.3 (MANE Select); bases 95 to 127 of the intron after coding-DNA position 642, 33 bases deleted.
Molecular consequence: intron variant. On other transcripts: inframe deletion (1).
Genome position (GRCh38, 1-based): chr21:44,330,696-44,330,728, 33 bases deleted; deleting any 33 consecutive bases within chr21:44,330,696-44,330,761 gives the same sequence; the c. name uses the placement nearest the transcript's 3' end. GRCh37 (hg19), VCF-style position (the base before the change): chr21:45,750,578.
Other names: c.701CCGTGGGGAGGGAGCATGGAGCCTCACAGGGCC[1], p.Pro245_Gly255del (NM_001271441.2); c.639+95_639+127del (NM_001271440.2); c.516+95_516+127del (NM_001271442.1).
Identifiers: ClinVar variation 2635766 (VCV002635766.3), dbSNP rs770389083, ClinGen allele CA10053552.

ClinVar aggregate classification (germline): Conflicting classifications of pathogenicity. Review status: criteria provided, conflicting classifications (1 of 4 stars). 2 submissions from 2 submitters: Uncertain significance (1); Likely benign (1). Last evaluated 2026-09-10.

Conditions:
CFAP410-related disorder. Also called: CFAP410-related condition.

Submissions (2):

PreventionGenetics, part of Exact Sciences
Classification: Uncertain significance for CFAP410-related condition. Last evaluated: 2026-09-10. Review status: criteria provided, single submitter. Criteria: ACMG Guidelines, 2015. Collection method: clinical testing. Allele origin: germline.
Comment: The CFAP410 c.734_766del33 variant is predicted to result in an in-frame deletion (p.Pro245_Gly255del). To our knowledge, this variant has not been reported in the literature. This variant is reported in 0.083% of alleles in individuals of African descent in gnomAD, which may be too frequent to be a primary cause of disease. Although we suspect that this variant may be benign, at this time, the clinical significance of this variant is uncertain due to the absence of conclusive functional and genetic evidence.

Blueprint Genetics
Classification: Likely benign. Last evaluated: 2024-11-14. Review status: criteria provided, single submitter. Criteria: ACMG Guidelines, 2015. Collection method: clinical testing. Allele origin: germline.